The following is an entry in ClinVar:

NM_020745.4(AARS2):c.1508A>G (p.Gln503Arg)

Gene: AARS2 (alanyl-tRNA synthetase 2, mitochondrial; minus strand). Cytogenetic location: 6p21.1.
Variant type: single nucleotide variant.
Coding change: c.1508A>G on transcript NM_020745.4 (MANE Select); coding-DNA position 1508, A replaced by G.
Protein change: p.Gln503Arg; replaces glutamine 503 with arginine.
Molecular consequence: missense variant.
Genome position (GRCh38, 1-based): chr6:44,305,125, T>C on the plus strand (A>G on the coding strand, the complement: AARS2 is on the minus strand). VCF-style: chr6-44305125-T-C. GRCh37 (hg19) VCF-style: chr6-44272862-T-C.
Other names: p.Gln503Arg; short protein forms Q503R.
Identifiers: ClinVar variation 3379677 (VCV003379677.1).

ClinVar aggregate classification (germline): Uncertain significance (1 of 4 stars; one submission).

gnomAD v4.1: 8 of 1,613,880 alleles (0.0005%); highest among the groups gnomAD compares: Admixed American, 0.0033%; no homozygotes.

Submission:

Mayo Clinic Laboratories, Mayo Clinic
Classification: Uncertain significance. Last evaluated: 2023-12-27. Review status: criteria provided, single submitter. Criteria: ACMG Guidelines, 2015. Collection method: clinical testing. Allele origin: germline. Observed: 1 variant allele.
Comment: BP4, PM2_moderate